The following is an entry in ClinVar:

ClinVar aggregate classification (germline): Benign. Review status: criteria provided, multiple submitters, no conflicts (2 of 4 stars). 6 submissions from 5 submitters: Benign (5). 1 of the submissions does not count toward it. Last evaluated 2026-02-04.

Conditions:
INTU-related disorder. Also called: INTU-related condition.
Orofaciodigital syndrome 17. Also called: OROFACIODIGITAL SYNDROME XVII; OFDS XVII; ORAL-FACIAL-DIGITAL SYNDROME, TYPE XVII. Identifiers: MedGen C4693640, MONDO:0033375, OMIM 617926.
Short-rib thoracic dysplasia 20 with polydactyly. Identifiers: MedGen C4693616, MONDO:0044328, OMIM 617925.

Allele frequency attached by ClinVar (database versions not stated): TOPMed 0.57032; 1000 Genomes Project 30x 0.61493; gnomAD 0.55961 and 0.55539; ESP Exome Variant Server 0.56405; 1000 Genomes Project 0.61641.
gnomAD v4.1: 855,272 of 1,613,636 alleles (53%); highest among the groups gnomAD compares: South Asian, 69%; 229,313 homozygotes.

Submissions (6):

Labcorp Genetics (formerly Invitae), Labcorp
Classification: Benign. Last evaluated: 2026-02-04. Review status: criteria provided, single submitter. Criteria: Invitae Variant Classification Sherloc (09022015). Collection method: clinical testing. Allele origin: germline.

Genome-Nilou Lab
Classification: Benign for Orofaciodigital syndrome 17. Last evaluated: 2021-08-19. Review status: criteria provided, single submitter. Criteria: ACMG Guidelines, 2015. Collection method: clinical testing. Allele origin: germline. Affected: no.

Genome-Nilou Lab
Classification: Benign for Short-rib thoracic dysplasia 20 with polydactyly. Last evaluated: 2021-08-19. Review status: criteria provided, single submitter. Criteria: ACMG Guidelines, 2015. Collection method: clinical testing. Allele origin: germline. Affected: no.

GeneDx
Classification: Benign. Last evaluated: 2019-07-09. Review status: criteria provided, single submitter. Criteria: GeneDx Variant Classification Process June 2021. Collection method: clinical testing. Allele origin: germline. Affected: yes.

Breakthrough Genomics
Classification: Benign. Review status: criteria provided, single submitter. Criteria: ACMG Guidelines, 2015. Collection method: not provided. Allele origin: germline. Inheritance: Autosomal recessive inheritance. Affected: yes.

PreventionGenetics, part of Exact Sciences
Classification: Benign for INTU-related condition. Last evaluated: 2019-05-22. Review status: no assertion criteria provided. Collection method: clinical testing. Allele origin: germline. Not counted in ClinVar's aggregate classification.
Comment: This variant is classified as benign based on ACMG/AMP sequence variant interpretation guidelines (Richards et al. 2015 PMID: 25741868, with internal and published modifications).

NM_015693.4(INTU):c.471A>G (p.Arg157=)

Gene: INTU (inturned planar cell polarity protein; plus strand). Cytogenetic location: 4q28.1.
Variant type: single nucleotide variant.
Coding change: c.471A>G on transcript NM_015693.4 (MANE Select); coding-DNA position 471, A replaced by G.
Protein change: p.Arg157=; no amino-acid change (arginine 157 retained).
Molecular consequence: synonymous variant.
Genome position (GRCh38, 1-based): chr4:127,643,845, A>G. VCF-style: chr4-127643845-A-G. GRCh37 (hg19) VCF-style: chr4-128565000-A-G.
Identifiers: ClinVar variation 1249414 (VCV001249414.15), dbSNP rs3749507, ClinGen allele CA3074799.